The following is an entry in ClinVar:

NM_001365276.2(TNXB):c.10726T>C (p.Trp3576Arg)

Genes: TNXB (tenascin XB; minus strand), LOC106780803 (tenascin XB recombination region; plus strand). Cytogenetic location: 6p21.33.
Variant type: single nucleotide variant.
Coding change: c.10726T>C on transcript NM_001365276.2 (MANE Select); coding-DNA position 10726, T replaced by C.
Protein change: p.Trp3576Arg; replaces tryptophan 3576 with arginine.
Molecular consequence: missense variant.
Genome position (GRCh38, 1-based): chr6:32,045,207, A>G on the plus strand (T>C on the coding strand, the complement: TNXB is on the minus strand). VCF-style: chr6-32045207-A-G. GRCh37 (hg19) VCF-style: chr6-32012984-A-G.
Other names: c.10720T>C, p.Trp3574Arg (NM_019105.8); c.13T>C, p.Trp5Arg (NM_032470.4); short protein forms W3574R, W3576R, W5R.
Identifiers: ClinVar variation 2673050 (VCV002673050.23), dbSNP rs2483384436, ClinGen allele CA363526978.

ClinVar aggregate classification (germline): Uncertain significance (1 of 4 stars; one submission).

Submission:

CeGaT Center for Human Genetics Tuebingen
Classification: Uncertain significance. Last evaluated: 2023-11-01. Review status: criteria provided, single submitter. Criteria: CeGaT Center For Human Genetics Tuebingen Variant Classification Criteria Version 2. Collection method: clinical testing. Allele origin: germline. Affected: yes. Observed: 1 variant allele.
Comment: TNXB: PM2, BP1